The following is an entry in ClinVar:

NM_002336.3(LRP6):c.3076C>T (p.Arg1026Cys)

Gene: LRP6 (LDL receptor related protein 6; minus strand). Cytogenetic location: 12p13.2.
Variant type: single nucleotide variant.
Coding change: c.3076C>T on transcript NM_002336.3 (MANE Select); coding-DNA position 3076, C replaced by T.
Protein change: p.Arg1026Cys; replaces arginine 1026 with cysteine.
Molecular consequence: missense variant. On other transcripts: non-coding transcript variant (1).
Genome position (GRCh38, 1-based): chr12:12,149,072, G>A on the plus strand (C>T on the coding strand, the complement: LRP6 is on the minus strand). VCF-style: chr12-12149072-G-A. GRCh37 (hg19) VCF-style: chr12-12302006-G-A.
Other names: c.3076C>T, p.Arg1026Cys (NM_001414244.1, NM_001414245.1, NM_001414246.1 and 4 more transcripts); c.2878C>T, p.Arg960Cys (NM_001414247.1); c.2623C>T, p.Arg875Cys (NM_001414252.1, NM_001414253.1, NM_001414254.1); c.2569C>T, p.Arg857Cys (NM_001414255.1); short protein forms R1026C, R875C, R960C, R857C.
Identifiers: ClinVar variation 3631107 (VCV003631107.2).
Genomic context (GRCh38, chr12:12,149,072, plus strand): 5'-TCCCATCTAATCTTGTCACATTAATGACATTGGTAGCCTCACAAGTCCAGTAGATGTAGC[G>A]GCTGTAAATATCAATGCTGAGGTCATAGGGTTGTATTTCCAGGTTCTGACTCGGAACTGA-3'
Protein context (NP_002327.2, residues 1016-1036): PYDLSIDIYS[Arg1026Cys]YIYWTCEATN

ClinVar aggregate classification (germline): Uncertain significance (1 of 4 stars; one submission).

gnomAD v4.1: 468 of 1,613,974 alleles (0.029%); highest among the groups gnomAD compares: Non-Finnish European, 0.036%; no homozygotes.

Submission:

Labcorp Genetics (formerly Invitae), Labcorp
Classification: Uncertain significance. Last evaluated: 2024-12-11. Review status: criteria provided, single submitter. Criteria: Invitae Variant Classification Sherloc (09022015). Collection method: clinical testing. Allele origin: germline.
Comment: This sequence change replaces arginine, which is basic and polar, with cysteine, which is neutral and slightly polar, at codon 1026 of the LRP6 protein (p.Arg1026Cys). This variant is present in population databases (rs140679529, gnomAD 0.03%). This missense change has been observed in individual(s) with clinical features of tooth agenesis (PMID: 33725141). Invitae Evidence Modeling of protein sequence and biophysical properties (such as structural, functional, and spatial information, amino acid conservation, physicochemical variation, residue mobility, and thermodynamic stability) indicates that this missense variant is expected to disrupt LRP6 protein function with a positive predictive value of 80%. In summary, the available evidence is currently insufficient to determine the role of this variant in disease. Therefore, it has been classified as a Variant of Uncertain Significance.

Literature cited by the submitters: PubMed 33725141.